The following is an entry in ClinVar:

NM_000551.4(VHL):c.341-51C>T

Genes: VHL (von Hippel-Lindau tumor suppressor; plus strand), LOC107303340 (3p25 von Hippel-Lindau tumor suppressor, E3 ubiquitin protein ligase Alu-mediated recombination region; plus strand). Cytogenetic location: 3p25.3.
Variant type: single nucleotide variant.
Coding change: c.341-51C>T on transcript NM_000551.4 (MANE Select); 51 bases into the intron before coding-DNA position 341, C replaced by T.
Molecular consequence: intron variant.
Genome position (GRCh38, 1-based): chr3:10,146,463, C>T. VCF-style: chr3-10146463-C-T. GRCh37 (hg19) VCF-style: chr3-10188147-C-T.
Other names: c.*18-3324C>T (NM_001354723.2); c.341-3324C>T (NM_198156.3).
Identifiers: ClinVar variation 4985803 (VCV004985803.1).

ClinVar aggregate classification (germline): Likely benign (1 of 4 stars; one submission).

Conditions:
VHL-related disorder. Also called: VHL-related condition.

gnomAD v4.1: 137 of 1,608,706 alleles (0.0085%); highest among the groups gnomAD compares: Admixed American, 0.19%; 1 homozygote.

Submission:

PreventionGenetics, part of Exact Sciences
Classification: Likely benign for VHL-related condition. Last evaluated: 2025-11-29. Review status: criteria provided, single submitter. Criteria: ACMG Guidelines, 2015. Collection method: clinical testing. Allele origin: germline.
Comment: This variant is classified as likely benign based on ACMG/AMP sequence variant interpretation guidelines (Richards et al. 2015 PMID: 25741868, with internal and published modifications).